The following is an entry in ClinVar:

NC_012920.1(MT-RNR1):m.1120C>T

Gene: MT-RNR1 (mitochondrially encoded 12S RNA; plus strand).
Variant type: single nucleotide variant.
Genome position: chrM-1120-C-T.
Identifiers: ClinVar variation 179852 (VCV000179852.4), dbSNP rs727505171, ClinGen allele CA185274.

ClinVar aggregate classification (germline): Likely benign (1 of 4 stars; one submission).

Submission:

Laboratory for Molecular Medicine, Mass General Brigham Personalized Medicine
Classification: Likely benign. Last evaluated: 2014-06-27. Review status: criteria provided, single submitter. Criteria: LMM Criteria. Collection method: clinical testing. Allele origin: germline. Observed: 1 variant allele.
Comment: m.1120C>T in MTRNR1: This variant is not expected to have clinical significance because it has been reported in several phylogenetic studies at an overall frequ ency of 0.07% (17/24187 human mitochondrial DNA sequences) with haplogroup-speci fic frequency in Asian populations of ~1.2%.